The following is an entry in ClinVar:

ClinVar aggregate classification (germline): Uncertain significance. Review status: criteria provided, multiple submitters, no conflicts (2 of 4 stars). 4 submissions from 4 submitters: Uncertain significance (3). 1 of the submissions does not count toward it. Last evaluated 2024-07-27.

Conditions:
TRMU-related disorder. Also called: TRMU-related condition.

Allele frequency attached by ClinVar (database versions not stated): gnomAD exomes below 0.00001 and 0.00001; gnomAD 0.00002 and 0.00003; TOPMed 0.00002.
gnomAD v4.1: 21 of 1,613,852 alleles (0.0013%); highest among the groups gnomAD compares: Middle Eastern, 0.033%; no homozygotes.

Submissions (4):

Women's Health and Genetics/Laboratory Corporation of America, LabCorp
Classification: Uncertain significance. Last evaluated: 2024-07-27. Review status: criteria provided, single submitter. Criteria: LabCorp Variant Classification Summary - May 2015. Collection method: clinical testing. Allele origin: germline.

GeneDx
Classification: Uncertain significance. Last evaluated: 2023-03-01. Review status: criteria provided, single submitter. Criteria: GeneDx Variant Classification Process June 2021. Collection method: clinical testing. Allele origin: germline. Affected: yes.
Comment: Not observed at significant frequency in large population cohorts (gnomAD); Has not been previously published as pathogenic or benign to our knowledge; In-silico analysis is inconclusive as to whether the variant alters gene splicing. In the absence of RNA/functional studies, the actual effect of this sequence change is unknown.

Eurofins Ntd Llc (ga)
Classification: Uncertain significance. Last evaluated: 2018-07-17. Review status: criteria provided, single submitter. Criteria: EGL ClinVar v180209 classification definitions. Collection method: clinical testing. Allele origin: germline. Observed: 1 variant allele, 1 homozygote.

PreventionGenetics, part of Exact Sciences
Classification: Uncertain significance for TRMU-related condition. Last evaluated: 2024-08-19. Review status: no assertion criteria provided. Collection method: clinical testing. Allele origin: germline. Not counted in ClinVar's aggregate classification.
Comment: The TRMU c.1101+5G>A variant is predicted to interfere with splicing. To our knowledge, this variant has not been reported in the literature. This variant is reported in 0.0050% of alleles in individuals of East Asian descent in gnomAD. At this time, the clinical significance of this variant is uncertain due to the absence of conclusive functional and genetic evidence.

NM_018006.5(TRMU):c.1101+5G>A

Gene: TRMU (tRNA mitochondrial 2-thiouridylase; plus strand). Cytogenetic location: 22q13.31.
Variant type: single nucleotide variant.
Coding change: c.1101+5G>A on transcript NM_018006.5 (MANE Select); 5 bases into the intron after coding-DNA position 1101, G replaced by A.
Molecular consequence: intron variant.
Genome position (GRCh38, 1-based): chr22:46,356,077, G>A. VCF-style: chr22-46356077-G-A. GRCh37 (hg19) VCF-style: chr22-46751974-G-A.
Other names: c.1018+489G>A (NM_001282785.2); c.759+5G>A (NM_001282782.2); c.681+5G>A (NM_001282783.2); c.598+489G>A (NM_001282784.2); c.1101+5G>A (NM_018006.4).
Identifiers: ClinVar variation 598072 (VCV000598072.10), dbSNP rs1273958469, ClinGen allele CA639641426.